The following is an entry in ClinVar:

ClinVar aggregate classification (germline): Uncertain significance. Review status: reviewed by expert panel (3 of 4 stars). 2 submissions from 2 submitters: Uncertain significance (1). 1 of the submissions does not count toward it. Last evaluated 2024-06-17.

Conditions:
Immunodeficiency 104. Also called: Severe combined immunodeficiency, autosomal recessive, T cell-negative, B cell-positive, NK cell-positive; Severe Combined Immune Deficiency, Autosomal Recessive, TCell -Negative, B Cell-Positive, NK Cell-Positive, IL7R-Related; SCID, AUTOSOMAL RECESSIVE, T CELL-NEGATIVE, B CELL-POSITIVE, NK CELL-POSITIVE; IMMUNODEFICIENCY 104, SEVERE COMBINED. Identifiers: MedGen C5676890, MONDO:0012163, OMIM 608971.

Submissions (2):

ClinGen Severe Combined Immunodeficiency Variant Curation Expert Panel, ClinGen
Classification: Uncertain significance for Immunodeficiency 104. Last evaluated: 2024-06-17. Review status: reviewed by expert panel. Criteria: ClinGen SCID ACMG Specifications IL7R V1.0.0. Collection method: curation. Allele origin: germline. Inheritance: Autosomal recessive inheritance.
Comment: NM_002185.5(IL7R):c.135G>C is a missense variant predicted to cause substitution of Glutamine by Histidine at amino acid 45 (p.Gln45His). The variant is only reported in bottleneck population i.e. Middle Eastern in gnomAD v4 in which the minor allele frequency is 0.0001650 (1/6060) (PM2_Supporting). Another missense variant NM_002185.5(IL7R):c.134A>C (p.Gln45Pro) in the same codon has been reported (PM5 not evaluated). To our knowledge, this variant has not been reported in the literature in individuals affected with IL7R-related conditions or in functional studies. In summary, this variant meets the criteria to be classified as a variant of uncertain significance for autosomal recessive severe combined immunodeficiency due to IL7R deficiency based on the ACMG/AMP criteria applied, as specified by the ClinGen SCID VCEP: PM2_Supporting (VCEP specifications version 1).

Labcorp Genetics (formerly Invitae), Labcorp
Classification: Likely pathogenic for Immunodeficiency 104. Last evaluated: 2022-07-12. Review status: criteria provided, single submitter. Criteria: Invitae Variant Classification Sherloc (09022015). Collection method: clinical testing. Allele origin: germline. Not counted in ClinVar's aggregate classification.
Comment: This variant is not present in population databases (gnomAD no frequency). This sequence change replaces glutamine, which is neutral and polar, with histidine, which is basic and polar, at codon 45 of the IL7R protein (p.Gln45His). This variant has not been reported in the literature in individuals affected with IL7R-related conditions. In summary, the currently available evidence indicates that the variant is pathogenic, but additional data are needed to prove that conclusively. Therefore, this variant has been classified as Likely Pathogenic. This variant disrupts the p.Gln45 amino acid residue in IL7R. Other variant(s) that disrupt this residue have been determined to be pathogenic (PMID: 31031743). This suggests that this residue is clinically significant, and that variants that disrupt this residue are likely to be disease-causing. Advanced modeling of protein sequence and biophysical properties (such as structural, functional, and spatial information, amino acid conservation, physicochemical variation, residue mobility, and thermodynamic stability) performed at Invitae indicates that this missense variant is expected to disrupt IL7R protein function. ClinVar contains an entry for this variant (Variation ID: 1393864).

Literature cited by the submitters: PubMed 31031743 (cited by Labcorp Genetics (formerly Invitae), Labcorp).

NM_002185.5(IL7R):c.135G>C (p.Gln45His)

Gene: IL7R (interleukin 7 receptor; plus strand). Cytogenetic location: 5p13.2.
Variant type: single nucleotide variant.
Coding change: c.135G>C on transcript NM_002185.5 (MANE Select); coding-DNA position 135, G replaced by C.
Protein change: p.Gln45His; replaces glutamine 45 with histidine.
Molecular consequence: missense variant. On other transcripts: non-coding transcript variant (1).
Genome position (GRCh38, 1-based): chr5:35,860,904, G>C. VCF-style: chr5-35860904-G-C. GRCh37 (hg19) VCF-style: chr5-35861006-G-C.
Other names: NM_002185.5(IL7R):c.135G>C; p.Gln45His; short protein forms Q45H.
Identifiers: ClinVar variation 1393864 (VCV001393864.8), dbSNP rs200464578, ClinGen allele CA359426752.
Genomic context (GRCh38, chr5:35,860,904, plus strand): 5'-CTCCCCAGGAGACTTGGAAGATGCAGAACTGGATGACTACTCATTCTCATGCTATAGCCA[G>C]TTGGAAGTGAATGGATCGCAGCACTCACTGACCTGTGCTTTTGAGGACCCAGATGTCAAC-3'
Protein context (NP_002176.2, residues 35-55): LDDYSFSCYS[Gln45His]LEVNGSQHSL